The following is an entry in ClinVar:

NM_017613.4(DONSON):c.1371G>A (p.Lys457=)

Gene: DONSON (DNA replication fork stabilization factor DONSON; minus strand). Cytogenetic location: 21q22.11.
Variant type: single nucleotide variant.
Coding change: c.1371G>A on transcript NM_017613.4 (MANE Select); coding-DNA position 1371, G replaced by A.
Protein change: p.Lys457=; no amino-acid change (lysine 457 retained).
Molecular consequence: synonymous variant.
Genome position (GRCh38, 1-based): chr21:33,579,542, C>T on the plus strand (G>A on the coding strand, the complement: DONSON is on the minus strand). VCF-style: chr21-33579542-C-T. GRCh37 (hg19) VCF-style: chr21-34951848-C-T.
Identifiers: ClinVar variation 727169 (VCV000727169.12), dbSNP rs139451211, ClinGen allele CA10010327.

ClinVar aggregate classification (germline): Benign/Likely benign. Review status: criteria provided, multiple submitters, no conflicts (2 of 4 stars). 3 submissions from 3 submitters: Benign (2); Likely benign (1). Last evaluated 2026-06-01.

Allele frequency attached by ClinVar (database versions not stated): gnomAD exomes 0.00014 and 0.00042; ExAC 0.00058; gnomAD 0.00147 and 0.00153; TOPMed 0.00163; ESP Exome Variant Server 0.00177; 1000 Genomes Project 0.00240; 1000 Genomes Project 30x 0.00265.

Submissions (3):

CeGaT Center for Human Genetics Tuebingen
Classification: Likely benign. Last evaluated: 2026-06-01. Review status: criteria provided, single submitter. Criteria: CeGaT Center For Human Genetics Tuebingen Variant Classification Criteria Version 2. Collection method: clinical testing. Allele origin: germline. Affected: yes. Observed: 1 variant allele.
Comment: DONSON: BP4, BP7

Labcorp Genetics (formerly Invitae), Labcorp
Classification: Benign. Last evaluated: 2025-12-22. Review status: criteria provided, single submitter. Criteria: Invitae Variant Classification Sherloc (09022015). Collection method: clinical testing. Allele origin: germline.

Breakthrough Genomics
Classification: Benign. Review status: criteria provided, single submitter. Criteria: ACMG Guidelines, 2015. Collection method: not provided. Allele origin: germline. Inheritance: Autosomal recessive inheritance. Affected: yes.